The following is an entry in ClinVar:

NM_006944.3(SPP2):c.374A>C (p.Gln125Pro)

Gene: SPP2 (secreted phosphoprotein 2; plus strand). Cytogenetic location: 2q37.1.
Variant type: single nucleotide variant.
Coding change: c.374A>C on transcript NM_006944.3 (MANE Select); coding-DNA position 374, A replaced by C.
Protein change: p.Gln125Pro; replaces glutamine 125 with proline.
Molecular consequence: missense variant.
Genome position (GRCh38, 1-based): chr2:234,060,409, A>C. VCF-style: chr2-234060409-A-C. GRCh37 (hg19) VCF-style: chr2-234969053-A-C.
Other names: c.374A>C (NM_006944.2); short protein forms Q125P.
Identifiers: ClinVar variation 2787636 (VCV002787636.4), dbSNP rs772225535, ClinGen allele CA2183176.

ClinVar aggregate classification (germline): Uncertain significance. Review status: criteria provided, multiple submitters, no conflicts (2 of 4 stars). 2 submissions from 2 submitters: Uncertain significance (2). Last evaluated 2024-05-01.

Allele frequency attached by ClinVar (database versions not stated): TOPMed below 0.00001; gnomAD 0.00001; gnomAD exomes 0.00001; ExAC 0.00002.
gnomAD v4.1: 23 of 1,613,872 alleles (0.0014%); highest among the groups gnomAD compares: Non-Finnish European, 0.0018%; no homozygotes.

Submissions (2):

Ambry Genetics
Classification: Uncertain significance. Last evaluated: 2024-05-01. Review status: criteria provided, single submitter. Criteria: Ambry Variant Classification Scheme 2023. Collection method: clinical testing. Allele origin: germline.

Labcorp Genetics (formerly Invitae), Labcorp
Classification: Uncertain significance. Last evaluated: 2022-11-20. Review status: criteria provided, single submitter. Criteria: Invitae Variant Classification Sherloc (09022015). Collection method: clinical testing. Allele origin: germline.
Comment: In summary, the available evidence is currently insufficient to determine the role of this variant in disease. Therefore, it has been classified as a Variant of Uncertain Significance. Algorithms developed to predict the effect of missense changes on protein structure and function are either unavailable or do not agree on the potential impact of this missense change (SIFT: "Tolerated"; PolyPhen-2: "Possibly Damaging"; Align-GVGD: "Class C0"). This variant has not been reported in the literature in individuals affected with SPP2-related conditions. This variant is present in population databases (rs772225535, gnomAD 0.007%). This sequence change replaces glutamine, which is neutral and polar, with proline, which is neutral and non-polar, at codon 125 of the SPP2 protein (p.Gln125Pro).